The following is an entry in ClinVar:

ClinVar aggregate classification (germline): Uncertain significance (1 of 4 stars; one submission).

Allele frequency attached by ClinVar (database versions not stated): gnomAD exomes 0.00001 and 0.00002; ExAC 0.00002.
gnomAD v4.1: 7 of 1,613,876 alleles (0.00043%); highest among the groups gnomAD compares: South Asian, 0.0011%; no homozygotes.

Submission:

Labcorp Genetics (formerly Invitae), Labcorp
Classification: Uncertain significance. Last evaluated: 2022-02-10. Review status: criteria provided, single submitter. Criteria: Invitae Variant Classification Sherloc (09022015). Collection method: clinical testing. Allele origin: germline.
Comment: This sequence change replaces glycine, which is neutral and non-polar, with arginine, which is basic and polar, at codon 255 of the CLCN6 protein (p.Gly255Arg). This variant is present in population databases (rs750671843, gnomAD 0.006%). This variant has not been reported in the literature in individuals affected with CLCN6-related conditions. Algorithms developed to predict the effect of missense changes on protein structure and function (SIFT, PolyPhen-2, Align-GVGD) all suggest that this variant is likely to be disruptive. In summary, the available evidence is currently insufficient to determine the role of this variant in disease. Therefore, it has been classified as a Variant of Uncertain Significance.

NM_001286.5(CLCN6):c.763G>A (p.Gly255Arg)

Gene: CLCN6 (chloride voltage-gated channel 6; plus strand). Cytogenetic location: 1p36.22.
Variant type: single nucleotide variant.
Coding change: c.763G>A on transcript NM_001286.5 (MANE Select); coding-DNA position 763, G replaced by A.
Protein change: p.Gly255Arg; replaces glycine 255 with arginine.
Molecular consequence: missense variant. On other transcripts: non-coding transcript variant (1).
Genome position (GRCh38, 1-based): chr1:11,827,144, G>A. VCF-style: chr1-11827144-G-A. GRCh37 (hg19) VCF-style: chr1-11887201-G-A.
Other names: c.697G>A, p.Gly233Arg (NM_001256959.2); short protein forms G233R, G255R.
Identifiers: ClinVar variation 1416105 (VCV001416105.6), dbSNP rs750671843, ClinGen allele CA596228.